The following is an entry in ClinVar:

NM_177438.3(DICER1):c.3473G>A (p.Ser1158Asn)

Gene: DICER1 (dicer 1, ribonuclease III; minus strand). Cytogenetic location: 14q32.13.
Variant type: single nucleotide variant.
Coding change: c.3473G>A on transcript NM_177438.3 (MANE Select); coding-DNA position 3473, G replaced by A.
Protein change: p.Ser1158Asn; replaces serine 1158 with asparagine.
Molecular consequence: missense variant. On other transcripts: non-coding transcript variant (6).
Genome position (GRCh38, 1-based): chr14:95,103,923, C>T on the plus strand (G>A on the coding strand, the complement: DICER1 is on the minus strand). VCF-style: chr14-95103923-C-T. GRCh37 (hg19) VCF-style: chr14-95570260-C-T.
Other names: c.3473G>A, p.Ser1158Asn (NM_001195573.1, NM_001271282.3, NM_001291628.2 and 13 more transcripts); c.3191G>A, p.Ser1064Asn (NM_001395686.1); c.3068G>A, p.Ser1023Asn (NM_001395687.1, NM_001395688.1, NM_001395689.1 and 2 more transcripts); c.2906G>A, p.Ser969Asn (NM_001395691.1); c.1790G>A, p.Ser597Asn (NM_001395697.1); short protein forms S1023N, S969N, S1064N, S597N, S1158N.
Identifiers: ClinVar variation 2891056 (VCV002891056.3), dbSNP rs2542712551, ClinGen allele CA390875283.
Genomic context (GRCh38, chr14:95,103,923, plus strand): 5'-AGACCATTAATTGCTGTAAGATCTGCTGAAACTTCAACGTGGAGCTTACCAGGGGACTCG[C>T]TGAGCAACGTTCTGCAGTTCACAGACATTTGGTCATGATTTTCTAGAGAGGAGGTTCTAT-3'
Protein context (NP_803187.1, residues 1148-1168): QMSVNCRTLL[Ser1158Asn]ESPGKLHVEV

ClinVar aggregate classification (germline): Uncertain significance (1 of 4 stars; one submission).

Conditions:
DICER1-related tumor predisposition. Also called: DICER1-related pleuropulmonary blastoma cancer predisposition syndrome; DICER1 syndrome. Identifiers: Orphanet 284343, MedGen C3839822, MONDO:0100216.

Submission:

Labcorp Genetics (formerly Invitae), Labcorp
Classification: Uncertain significance for DICER1-related tumor predisposition. Last evaluated: 2023-08-01. Review status: criteria provided, single submitter. Criteria: Invitae Variant Classification Sherloc (09022015). Collection method: clinical testing. Allele origin: germline.
Comment: In summary, the available evidence is currently insufficient to determine the role of this variant in disease. Therefore, it has been classified as a Variant of Uncertain Significance. Advanced modeling of protein sequence and biophysical properties (such as structural, functional, and spatial information, amino acid conservation, physicochemical variation, residue mobility, and thermodynamic stability) performed at Invitae indicates that this missense variant is not expected to disrupt DICER1 protein function. This variant has not been reported in the literature in individuals affected with DICER1-related conditions. This variant is not present in population databases (gnomAD no frequency). This sequence change replaces serine, which is neutral and polar, with asparagine, which is neutral and polar, at codon 1158 of the DICER1 protein (p.Ser1158Asn).